The following is an entry in ClinVar:

NM_004380.3(CREBBP):c.2596A>G (p.Met866Val)

Gene: CREBBP (CREB binding lysine acetyltransferase; minus strand). Cytogenetic location: 16p13.3.
Variant type: single nucleotide variant.
Coding change: c.2596A>G on transcript NM_004380.3 (MANE Select); coding-DNA position 2596, A replaced by G.
Protein change: p.Met866Val; replaces methionine 866 with valine.
Molecular consequence: missense variant.
Genome position (GRCh38, 1-based): chr16:3,770,854, T>C on the plus strand (A>G on the coding strand, the complement: CREBBP is on the minus strand). VCF-style: chr16-3770854-T-C. GRCh37 (hg19) VCF-style: chr16-3820855-T-C.
Other names: c.2596A>G (NM_004380.2); c.2482A>G, p.Met828Val (NM_001079846.1); short protein forms M828V, M866V.
Identifiers: ClinVar variation 2968061 (VCV002968061.6), dbSNP rs368912102, ClinGen allele CA7870069.
Genomic context (GRCh38, chr16:3,770,854, plus strand): 5'-TGGGAGCTGCTGGCTGGGGAGGAGTCATCCCAGGTGGTGTCGTGTGCTGGAGAGATGGCA[T>C]GCCAGCAGCCGTGGAAGCAGGAGGCGGTGTTGGGTGCAGTGGTGACTGTGTCACTGGAGG-3'
Protein context (NP_004371.2, residues 856-876): TPPPASTAAG[Met866Val]PSLQHTTPPG

ClinVar aggregate classification (germline): Likely benign. Review status: criteria provided, multiple submitters, no conflicts (2 of 4 stars). 3 submissions from 3 submitters: Likely benign (3). Last evaluated 2024-11-21.

Conditions:
Rubinstein-Taybi syndrome (RSTS). Identifiers: Orphanet 783, MedGen C0035934, MONDO:0019188.
CREBBP-related disorder. Also called: CREBBP-related condition; CREBBP-related disorders.

Allele frequency attached by ClinVar (database versions not stated): ExAC 0.00002; TOPMed 0.00002; gnomAD exomes 0.00005; ESP Exome Variant Server 0.00008.
gnomAD v4.1: 70 of 1,613,886 alleles (0.0043%); highest among the groups gnomAD compares: Non-Finnish European, 0.0058%; no homozygotes.

Submissions (3):

PreventionGenetics, part of Exact Sciences
Classification: Likely benign for CREBBP-related condition. Last evaluated: 2024-11-21. Review status: criteria provided, single submitter. Criteria: ACMG Guidelines, 2015. Collection method: clinical testing. Allele origin: germline.
Comment: This variant is classified as likely benign based on ACMG/AMP sequence variant interpretation guidelines (Richards et al. 2015 PMID: 25741868, with internal and published modifications).

Labcorp Genetics (formerly Invitae), Labcorp
Classification: Likely benign for Rubinstein-Taybi syndrome. Last evaluated: 2023-08-10. Review status: criteria provided, single submitter. Criteria: Invitae Variant Classification Sherloc (09022015). Collection method: clinical testing. Allele origin: germline.

Blueprint Genetics
Classification: Likely benign. Last evaluated: 2023-02-03. Review status: criteria provided, single submitter. Criteria: ACMG Guidelines, 2015. Collection method: clinical testing. Allele origin: germline.